The following is an entry in ClinVar:

ClinVar aggregate classification (germline): Pathogenic (1 of 4 stars; one submission).

Submission:

Labcorp Genetics (formerly Invitae), Labcorp
Classification: Pathogenic. Last evaluated: 2017-10-22. Review status: criteria provided, single submitter. Criteria: Invitae Variant Classification Sherloc (09022015). Collection method: clinical testing. Allele origin: germline.
Comment: This variant has not been reported in the literature in individuals with NSD1-related disease. This sequence change creates a premature translational stop signal (p.Trp328*) in the NSD1 gene. It is expected to result in an absent or disrupted protein product. This variant is not present in population databases (ExAC no frequency). Loss-of-function variants in NSD1 are known to be pathogenic (PMID: 12464997, 14571271, 15942875, 16247291). For these reasons, this variant has been classified as Pathogenic.

Literature cited by the submitters: PubMed 12464997; PubMed 14571271; PubMed 15942875; PubMed 16247291.

NM_022455.5(NSD1):c.983G>A (p.Trp328Ter)

Gene: NSD1 (nuclear receptor binding SET domain protein 1; plus strand). Cytogenetic location: 5q35.3.
Variant type: single nucleotide variant.
Coding change: c.983G>A on transcript NM_022455.5 (MANE Select); coding-DNA position 983, G replaced by A.
Protein change: p.Trp328Ter; replaces tryptophan 328 with a stop codon.
Molecular consequence: nonsense.
Genome position (GRCh38, 1-based): chr5:177,191,939, G>A. VCF-style: chr5-177191939-G-A. GRCh37 (hg19) VCF-style: chr5-176618940-G-A.
Other names: c.110G>A, p.Trp37Ter (NM_001365684.2, NM_001409305.1, NM_001409306.1 and 4 more transcripts); c.983G>A, p.Trp328Ter (NM_001409301.1, NM_001409302.1, NM_001409303.1); c.563G>A, p.Trp188Ter (NM_001409304.1); short protein forms W328*, W59*, W37*, W188*.
Identifiers: ClinVar variation 524691 (VCV000524691.7), dbSNP rs1554185405, ClinGen allele CA362306273.